The following is an entry in ClinVar:

NM_014112.5(TRPS1):c.2697A>T (p.Leu899Phe)

Gene: TRPS1 (transcriptional repressor GATA binding 1; minus strand). Cytogenetic location: 8q23.3.
Variant type: single nucleotide variant.
Coding change: c.2697A>T on transcript NM_014112.5 (MANE Select); coding-DNA position 2697, A replaced by T.
Protein change: p.Leu899Phe; replaces leucine 899 with phenylalanine.
Molecular consequence: missense variant.
Genome position (GRCh38, 1-based): chr8:115,587,004, T>A on the plus strand (A>T on the coding strand, the complement: TRPS1 is on the minus strand). VCF-style: chr8-115587004-T-A. GRCh37 (hg19) VCF-style: chr8-116599231-T-A.
Other names: c.2670A>T, p.Leu890Phe (NM_001282902.3); c.2676A>T, p.Leu892Phe (NM_001282903.3); c.2658A>T, p.Leu886Phe (NM_001330599.2); short protein forms L899F, L886F, L890F, L892F.
Identifiers: ClinVar variation 2942265 (VCV002942265.3), dbSNP rs2536860141, ClinGen allele CA372064578.

ClinVar aggregate classification (germline): Uncertain significance (1 of 4 stars; one submission).

Conditions:
Trichorhinophalangeal dysplasia type I (TRPS1). Also called: TRICHORHINOPHALANGEAL SYNDROME, TYPE I; TRPS I. Identifiers: Orphanet 77258, MedGen C0432233, MONDO:0008596, OMIM 190350.
Trichorhinophalangeal syndrome, type III (TRPS3). Also called: SUGIO-KAJII SYNDROME. Identifiers: Orphanet 77258, MedGen C1860823, OMIM 190351, MONDO:0008597.

Submission:

Labcorp Genetics (formerly Invitae), Labcorp
Classification: Uncertain significance for Trichorhinophalangeal syndrome, type III; Trichorhinophalangeal dysplasia type I. Last evaluated: 2022-12-12. Review status: criteria provided, single submitter. Criteria: Invitae Variant Classification Sherloc (09022015). Collection method: clinical testing. Allele origin: germline.
Comment: This sequence change replaces leucine, which is neutral and non-polar, with phenylalanine, which is neutral and non-polar, at codon 899 of the TRPS1 protein (p.Leu899Phe). This variant is not present in population databases (gnomAD no frequency). This variant has not been reported in the literature in individuals affected with TRPS1-related conditions. Advanced modeling of protein sequence and biophysical properties (such as structural, functional, and spatial information, amino acid conservation, physicochemical variation, residue mobility, and thermodynamic stability) has been performed at Invitae for this missense variant, however the output from this modeling did not meet the statistical confidence thresholds required to predict the impact of this variant on TRPS1 protein function. In summary, the available evidence is currently insufficient to determine the role of this variant in disease. Therefore, it has been classified as a Variant of Uncertain Significance.